The following is an entry in ClinVar:

ClinVar aggregate classification (germline): Uncertain significance. Review status: criteria provided, multiple submitters, no conflicts (2 of 4 stars). 2 submissions from 2 submitters: Uncertain significance (2). Last evaluated 2025-12-15.

Conditions:
Inborn genetic diseases. Identifiers: MedGen C0950123, MeSH D030342.

Allele frequency attached by ClinVar (database versions not stated): gnomAD exomes below 0.00001; gnomAD 0.00001.
gnomAD v4.1: 5 of 1,611,060 alleles (0.00031%); highest among the groups gnomAD compares: East Asian, 0.0022%; no homozygotes.

Submissions (2):

Labcorp Genetics (formerly Invitae), Labcorp
Classification: Uncertain significance. Last evaluated: 2025-12-15. Review status: criteria provided, single submitter. Criteria: Invitae Variant Classification Sherloc (09022015). Collection method: clinical testing. Allele origin: germline.
Comment: This sequence change replaces arginine, which is basic and polar, with histidine, which is basic and polar, at codon 780 of the LIFR protein (p.Arg780His). This variant is present in population databases (no rsID available, gnomAD 0.004%). This variant has not been reported in the literature in individuals affected with LIFR-related conditions. ClinVar contains an entry for this variant (Variation ID: 2289070). An algorithm developed to predict the effect of missense changes on protein structure and function outputs the following: PolyPhen-2: "Benign". The histidine amino acid residue is found in multiple mammalian species, which suggests that this missense change does not adversely affect protein function. In summary, the available evidence is currently insufficient to determine the role of this variant in disease. Therefore, it has been classified as a Variant of Uncertain Significance.

Ambry Genetics
Classification: Uncertain significance for Inborn genetic diseases. Last evaluated: 2022-05-11. Review status: criteria provided, single submitter. Criteria: Ambry Variant Classification Scheme 2023. Collection method: clinical testing. Allele origin: germline.

NM_001127671.2(LIFR):c.2339G>A (p.Arg780His)

Gene: LIFR (LIF receptor subunit alpha; minus strand). Cytogenetic location: 5p13.1.
Variant type: single nucleotide variant.
Coding change: c.2339G>A on transcript NM_001127671.2 (MANE Select); coding-DNA position 2339, G replaced by A.
Protein change: p.Arg780His; replaces arginine 780 with histidine.
Molecular consequence: missense variant.
Genome position (GRCh38, 1-based): chr5:38,485,977, C>T on the plus strand (G>A on the coding strand, the complement: LIFR is on the minus strand). VCF-style: chr5-38485977-C-T. GRCh37 (hg19) VCF-style: chr5-38486079-C-T.
Other names: c.2339G>A, p.Arg780His (NM_001364297.2, NM_001364298.2, NM_002310.6); short protein forms R780H.
Identifiers: ClinVar variation 2289070 (VCV002289070.3), dbSNP rs1359734484, ClinGen allele CA359536444.